The following is an entry in ClinVar:

ClinVar aggregate classification (germline): Uncertain significance (1 of 4 stars; one submission).

Conditions:
Cataract 38. Also called: Cataract, autosomal recessive congenital 5; Cataract 38, autosomal recessive. Identifiers: Orphanet 91492, MedGen C3553494, MONDO:0013859, OMIM 614691.
Sengers syndrome. Also called: MITOCHONDRIAL DNA DEPLETION SYNDROME 10 (CARDIOMYOPATHIC TYPE); Cardiomyopathy and cataract. Identifiers: Orphanet 1369, MedGen C1859317, MONDO:0008922, OMIM 212350.

gnomAD v4.1: 30 of 1,612,468 alleles (0.0019%); highest among the groups gnomAD compares: African/African-American, 0.0027%; no homozygotes.

Submission:

Labcorp Genetics (formerly Invitae), Labcorp
Classification: Uncertain significance for Sengers syndrome; Cataract 38. Last evaluated: 2024-10-14. Review status: criteria provided, single submitter. Criteria: Invitae Variant Classification Sherloc (09022015). Collection method: clinical testing. Allele origin: germline.
Comment: This sequence change falls in intron 7 of the AGK gene. It does not directly change the encoded amino acid sequence of the AGK protein. It affects a nucleotide within the consensus splice site. This variant is present in population databases (rs766413410, gnomAD 0.003%). This variant has not been reported in the literature in individuals affected with AGK-related conditions. ClinVar contains an entry for this variant (Variation ID: 2042518). Variants that disrupt the consensus splice site are a relatively common cause of aberrant splicing (PMID: 17576681, 9536098). Algorithms developed to predict the effect of sequence changes on RNA splicing suggest that this variant may disrupt the consensus splice site. In summary, the available evidence is currently insufficient to determine the role of this variant in disease. Therefore, it has been classified as a Variant of Uncertain Significance.

Literature cited by the submitters: PubMed 17576681; PubMed 9536098.

NM_018238.4(AGK):c.424-3C>A

Gene: AGK (acylglycerol kinase; plus strand). Cytogenetic location: 7q34.
Variant type: single nucleotide variant.
Coding change: c.424-3C>A on transcript NM_018238.4 (MANE Select); 3 bases into the intron before coding-DNA position 424, C replaced by A.
Molecular consequence: intron variant.
Genome position (GRCh38, 1-based): chr7:141,615,468, C>A. VCF-style: chr7-141615468-C-A. GRCh37 (hg19) VCF-style: chr7-141315268-C-A.
Other names: c.424-3C>A (NM_001364948.3).
Identifiers: ClinVar variation 2042518 (VCV002042518.3), dbSNP rs766413410, ClinGen allele CA4517462.